The following is an entry in ClinVar:

NM_001366145.2(TRPM3):c.2667+1G>T

Gene: TRPM3 (transient receptor potential cation channel subfamily M member 3; minus strand). Cytogenetic location: 9q21.12.
Variant type: single nucleotide variant.
Coding change: c.2667+1G>T on transcript NM_001366145.2 (MANE Select); the canonical splice donor site of the intron after coding-DNA position 2667, G replaced by T.
Molecular consequence: splice donor variant.
Genome position (GRCh38, 1-based): chr9:70,610,608, C>A on the plus strand (G>T on the coding strand, the complement: TRPM3 is on the minus strand). VCF-style: chr9-70610608-C-A. GRCh37 (hg19) VCF-style: chr9-73225524-C-A.
Other names: c.2637+1G>T (NM_001366143.2, NM_001366141.2, NM_001366149.2); c.2673+1G>T (NM_001366142.2); c.2601+1G>T (NM_001366150.2); c.2631+1G>T (NM_001366151.2, NM_001007471.4); c.2667+1G>T (NM_001366146.2); c.2712+1G>T (NM_001366148.2); c.2742+1G>T (NM_001366152.2, NM_001366147.2); c.2142+1G>T (NM_206944.5); and 5 more.
Identifiers: ClinVar variation 3372020 (VCV003372020.1).

ClinVar aggregate classification (germline): Uncertain significance (1 of 4 stars; one submission).

Submission:

GeneDx
Classification: Uncertain significance. Last evaluated: 2024-04-09. Review status: criteria provided, single submitter. Criteria: GeneDx Variant Classification Process June 2021. Collection method: clinical testing. Allele origin: germline. Affected: yes.
Comment: Not observed at significant frequency in large population cohorts (gnomAD); Canonical splice site variant in a gene for which loss-of-function is not an established mechanism of disease; Has not been previously published as pathogenic or benign to our knowledge